The following is an entry in ClinVar:

NM_139319.3(SLC17A8):c.1400T>C (p.Ile467Thr)

Gene: SLC17A8 (solute carrier family 17 member 8; plus strand). Cytogenetic location: 12q23.1.
Variant type: single nucleotide variant.
Coding change: c.1400T>C on transcript NM_139319.3 (MANE Select); coding-DNA position 1400, T replaced by C.
Protein change: p.Ile467Thr; replaces isoleucine 467 with threonine.
Molecular consequence: missense variant.
Genome position (GRCh38, 1-based): chr12:100,418,131, T>C. VCF-style: chr12-100418131-T-C. GRCh37 (hg19) VCF-style: chr12-100811909-T-C.
Other names: c.1400T>C (NM_139319.2); c.1250T>C, p.Ile417Thr (NM_001145288.2); short protein forms I417T, I467T.
Identifiers: ClinVar variation 2735925 (VCV002735925.4), dbSNP rs772471335, ClinGen allele CA6739021.

ClinVar aggregate classification (germline): Uncertain significance. Review status: criteria provided, multiple submitters, no conflicts (2 of 4 stars). 2 submissions from 2 submitters: Uncertain significance (2). Last evaluated 2024-12-10.

Conditions:
SLC17A8-related disorder. Also called: SLC17A8-related condition.

Allele frequency attached by ClinVar (database versions not stated): ExAC 0.00001; gnomAD 0.00001; TOPMed 0.00001; gnomAD exomes 0.00002.
gnomAD v4.1: 28 of 1,613,982 alleles (0.0017%); highest among the groups gnomAD compares: Non-Finnish European, 0.0022%; no homozygotes.

Submissions (2):

PreventionGenetics, part of Exact Sciences
Classification: Uncertain significance for SLC17A8-related condition. Last evaluated: 2024-12-10. Review status: criteria provided, single submitter. Criteria: ACMG Guidelines, 2015. Collection method: clinical testing. Allele origin: germline.
Comment: The SLC17A8 c.1400T>C variant is predicted to result in the amino acid substitution p.Ile467Thr. This variant was reported in an individual with hearing loss (Table S2, Chen et al. 2016. PubMed ID: 27610647). This variant is reported in 0.0026% of alleles in individuals of European (Non-Finnish) descent in gnomAD. At this time, the clinical significance of this variant is uncertain due to the absence of conclusive functional and genetic evidence.

Labcorp Genetics (formerly Invitae), Labcorp
Classification: Uncertain significance. Last evaluated: 2023-08-27. Review status: criteria provided, single submitter. Criteria: Invitae Variant Classification Sherloc (09022015). Collection method: clinical testing. Allele origin: germline.
Comment: This sequence change replaces isoleucine, which is neutral and non-polar, with threonine, which is neutral and polar, at codon 467 of the SLC17A8 protein (p.Ile467Thr). This variant is present in population databases (rs772471335, gnomAD 0.003%). This missense change has been observed in individual(s) with deafness (PMID: 27610647). Advanced modeling of protein sequence and biophysical properties (such as structural, functional, and spatial information, amino acid conservation, physicochemical variation, residue mobility, and thermodynamic stability) performed at Invitae indicates that this missense variant is not expected to disrupt SLC17A8 protein function. In summary, the available evidence is currently insufficient to determine the role of this variant in disease. Therefore, it has been classified as a Variant of Uncertain Significance.

Literature cited by the submitters: PubMed 27610647 (cited by Labcorp Genetics (formerly Invitae), Labcorp).